The following is an entry in ClinVar:

NM_000026.4(ADSL):c.56C>G (p.Ser19Cys)

Gene: ADSL (adenylosuccinate lyase; plus strand). Cytogenetic location: 22q13.1.
Variant type: single nucleotide variant.
Coding change: c.56C>G on transcript NM_000026.4 (MANE Select); coding-DNA position 56, C replaced by G.
Protein change: p.Ser19Cys; replaces serine 19 with cysteine.
Molecular consequence: missense variant. On other transcripts: 5 prime UTR variant (1), non-coding transcript variant (1).
Genome position (GRCh38, 1-based): chr22:40,346,614, C>G. VCF-style: chr22-40346614-C-G. GRCh37 (hg19) VCF-style: chr22-40742618-C-G.
Other names: c.56C>G, p.Ser19Cys (NM_001123378.3, NM_001363840.3); c.-82C>G (NM_001317923.2); short protein forms S19C.
Identifiers: ClinVar variation 452180 (VCV000452180.2), dbSNP rs1555903913, ClinGen allele CA411632662.

ClinVar aggregate classification (germline): Uncertain significance (1 of 4 stars; one submission).

Submission:

GeneDx
Classification: Uncertain significance. Last evaluated: 2017-09-21. Review status: criteria provided, single submitter. Criteria: GeneDx Variant Classification (06012015). Collection method: clinical testing. Allele origin: germline. Affected: yes.
Comment: The S19C variant has not been published as a pathogenic variant, nor has it been reported as a benign variant to our knowledge. The S19C variant is not observed in large population cohorts (Lek et al., 2016). This variant is a non-conservative amino acid substitution, which is likely to impact secondary protein structure as these residues differ in polarity, charge, size and/or other properties. In silico analysis predicts this variant is probably damaging to the protein structure/function. However, this substitution occurs at a position that is not conserved.